The following is an entry in ClinVar:

NM_004606.5(TAF1):c.802C>T (p.Arg268Cys)

Gene: TAF1 (TATA-box binding protein associated factor 1; plus strand). Cytogenetic location: Xq13.1.
Variant type: single nucleotide variant.
Coding change: c.802C>T on transcript NM_004606.5 (MANE Select); coding-DNA position 802, C replaced by T.
Protein change: p.Arg268Cys; replaces arginine 268 with cysteine.
Molecular consequence: missense variant. On other transcripts: non-coding transcript variant (9).
Genome position (GRCh38, 1-based): chrX:71,377,690, C>T. VCF-style: chrX-71377690-C-T. GRCh37 (hg19) VCF-style: chrX-70597540-C-T.
Other names: c.802C>T, p.Arg268Cys (NM_001286074.2); c.739C>T, p.Arg247Cys (NM_138923.4); short protein forms R288C, R247C, R268C.
Identifiers: ClinVar variation 694240 (VCV000694240.6), dbSNP rs1399230018, ClinGen allele CA413507306.

ClinVar aggregate classification (germline): Uncertain significance. Review status: criteria provided, single submitter (1 of 4 stars). 2 submissions from 2 submitters: Uncertain significance (1). 1 of the submissions does not count toward it. Last evaluated 2021-03-15.

Conditions:
Intellectual developmental disorder, X-linked, syndromic 33. Also called: X-linked intellectual disability-global development delay-facial dysmorphism-sacral caudal remnant syndrome; Intellectual disability, X-linked, syndromic 33. Identifiers: Orphanet 480907, MedGen C4225418, MONDO:0010500, OMIM 300966.

Allele frequency attached by ClinVar (database versions not stated): TOPMed 0.00001; gnomAD exomes 0.00001; gnomAD 0.00001.
gnomAD v4.1: 7 of 1,209,476 alleles (0.00058%); highest among the groups gnomAD compares: African/African-American, 0.0018%; no homozygotes.

Submissions (2):

Greenwood Genetic Center Diagnostic Laboratories, Greenwood Genetic Center
Classification: Uncertain significance. Last evaluated: 2021-03-15. Review status: criteria provided, single submitter. Criteria: ACMG Guidelines, 2015. Collection method: clinical testing. Allele origin: germline. Affected: yes.
Comment: PP2, PM2

Genome Medicine, Institute for Basic Research in Developmental Disabilities
Classification: Likely benign for Intellectual developmental disorder, X-linked, syndromic 33. Last evaluated: 2019-09-23. Review status: no assertion criteria provided. Collection method: clinical testing. Allele origin: maternal. Affected: yes. Not counted in ClinVar's aggregate classification.